The following is an entry in ClinVar:

NM_000245.4(MET):c.2827A>G (p.Thr943Ala)

Gene: MET (MET proto-oncogene, receptor tyrosine kinase; plus strand). Cytogenetic location: 7q31.2.
Variant type: single nucleotide variant.
Coding change: c.2827A>G on transcript NM_000245.4 (MANE Select); coding-DNA position 2827, A replaced by G.
Protein change: p.Thr943Ala; replaces threonine 943 with alanine.
Molecular consequence: missense variant.
Genome position (GRCh38, 1-based): chr7:116,771,594, A>G. VCF-style: chr7-116771594-A-G. GRCh37 (hg19) VCF-style: chr7-116411648-A-G.
Other names: c.2881A>G, p.Thr961Ala (NM_001127500.3); c.1537A>G, p.Thr513Ala (NM_001324402.2); short protein forms T513A, T943A, T961A.
Identifiers: ClinVar variation 2561308 (VCV002561308.3), dbSNP rs1794835436, ClinGen allele CA368986601.

ClinVar aggregate classification (germline): Uncertain significance. Review status: criteria provided, multiple submitters, no conflicts (2 of 4 stars). 2 submissions from 2 submitters: Uncertain significance (2). Last evaluated 2023-12-19.

Conditions:
Hereditary cancer-predisposing syndrome. Also called: Neoplastic Syndromes, Hereditary; Hereditary Cancer Syndrome; Hereditary neoplastic syndrome; Tumor predisposition. Identifiers: Orphanet 140162, MedGen C0027672, MeSH D009386, MONDO:0015356.

Allele frequency attached by ClinVar (database versions not stated): TOPMed below 0.00001.

Submissions (2):

GeneDx
Classification: Uncertain significance. Last evaluated: 2023-12-19. Review status: criteria provided, single submitter. Criteria: GeneDx Variant Classification Process June 2021. Collection method: clinical testing. Allele origin: germline. Affected: yes.
Comment: Not observed at significant frequency in large population cohorts (gnomAD); In silico analysis supports that this missense variant does not alter protein structure/function; Has not been previously published as pathogenic or benign to our knowledge

Ambry Genetics
Classification: Uncertain significance for Hereditary cancer-predisposing syndrome. Last evaluated: 2023-04-13. Review status: criteria provided, single submitter. Criteria: Ambry Variant Classification Scheme 2023. Collection method: clinical testing. Allele origin: germline.
Comment: The p.T961A variant (also known as c.2881A>G), located in coding exon 12 of the MET gene, results from an A to G substitution at nucleotide position 2881. The threonine at codon 961 is replaced by alanine, an amino acid with similar properties. This amino acid position is conserved. In addition, this alteration is predicted to be tolerated by in silico analysis. Since supporting evidence is limited at this time, the clinical significance of this alteration remains unclear.